The following is an entry in ClinVar:

NM_001377.3(DYNC2H1):c.12039+86C>G

Gene: DYNC2H1 (dynein cytoplasmic 2 heavy chain 1; plus strand). Cytogenetic location: 11q22.3.
Variant type: single nucleotide variant.
Coding change: c.12039+86C>G on transcript NM_001377.3 (MANE Select); 86 bases into the intron after coding-DNA position 12039, C replaced by G.
Molecular consequence: intron variant.
Genome position (GRCh38, 1-based): chr11:103,324,076, C>G. VCF-style: chr11-103324076-C-G. GRCh37 (hg19) VCF-style: chr11-103194804-C-G.
Other names: c.12060+86C>G (NM_001080463.2).
Identifiers: ClinVar variation 675083 (VCV000675083.2), dbSNP rs7926700, ClinGen allele CA227435742.

ClinVar aggregate classification (germline): Benign. Review status: criteria provided, multiple submitters, no conflicts (2 of 4 stars). 2 submissions from 2 submitters: Benign (2). Last evaluated 2018-06-14.

Allele frequency attached by ClinVar (database versions not stated): gnomAD 0.05883 and 0.06214; 1000 Genomes Project 0.06170; 1000 Genomes Project 30x 0.06480; TOPMed 0.06496.
gnomAD v4.1: 19,814 of 697,124 alleles (2.8%); highest among the groups gnomAD compares: African/African-American, 16%; 933 homozygotes.

Submissions (2):

GeneDx
Classification: Benign. Last evaluated: 2018-06-14. Review status: criteria provided, single submitter. Criteria: GeneDx Variant Classification (06012015). Collection method: clinical testing. Allele origin: germline. Affected: yes.
Comment: This variant is considered likely benign or benign based on one or more of the following criteria: it is a conservative change, it occurs at a poorly conserved position in the protein, it is predicted to be benign by multiple in silico algorithms, and/or has population frequency not consistent with disease.

Breakthrough Genomics
Classification: Benign. Review status: criteria provided, single submitter. Criteria: ACMG Guidelines, 2015. Collection method: not provided. Allele origin: germline. Inheritance: Autosomal recessive inheritance. Affected: yes.